The following is an entry in ClinVar:

NM_020549.5(CHAT):c.580G>T (p.Val194Leu)

Gene: CHAT (choline O-acetyltransferase; plus strand). Cytogenetic location: 10q11.23.
Variant type: single nucleotide variant.
Coding change: c.580G>T on transcript NM_020549.5 (MANE Select); coding-DNA position 580, G replaced by T.
Protein change: p.Val194Leu; replaces valine 194 with leucine.
Molecular consequence: missense variant.
Genome position (GRCh38, 1-based): chr10:49,620,495, G>T. VCF-style: chr10-49620495-G-T. GRCh37 (hg19) VCF-style: chr10-50828541-G-T.
Other names: c.226G>T, p.Val76Leu (NM_001142929.2, NM_001142934.2, NM_020984.4 and 2 more transcripts); c.334G>T, p.Val112Leu (NM_001142933.2); short protein forms V112L, V194L, V76L.
Identifiers: ClinVar variation 4853732 (VCV004853732.1).

ClinVar aggregate classification (germline): Uncertain significance (1 of 4 stars; one submission).

gnomAD v4.1: 1 of 1,610,474 alleles (0.000062%); highest among the groups gnomAD compares: Non-Finnish European, 0.000085%; no homozygotes.

Submission:

Women's Health and Genetics/Laboratory Corporation of America, LabCorp
Classification: Uncertain significance. Last evaluated: 2026-05-21. Review status: criteria provided, single submitter. Criteria: LabCorp Variant Classification Summary - May 2015. Collection method: clinical testing. Allele origin: germline.
Comment: Variant summary: CHAT c.580G>T (p.Val194Leu) results in a conservative amino acid change in the encoded protein sequence. Algorithms developed to predict the effect of missense changes on protein structure and function are either unavailable or do not agree on the potential impact of this missense change. Computational tools predict a significant impact on normal splicing: Three predict the variant weakens a canonical 3' acceptor site. One predicts the variant no significant impact on splicing. However, these predictions have yet to be confirmed by functional studies. The variant was absent in 251242 control chromosomes (gnomAD). c.580G>T has been observed in individuals affected with Congenital Myasthenic Syndrome (Maselli_2003). These data indicate that the variant may be associated with disease. At least one publication reports experimental evidence evaluating an impact on protein function. The most pronounced variant effect results in >50%-90% of normal activity (Arredondo_2015). No submitters have cited clinical-significance assessments for this variant to ClinVar. Based on the evidence outlined above, the variant was classified as VUS-possibly pathogenic.

Literature cited by the submitters: PubMed 26080897; PubMed 12548525.